The following is an entry in ClinVar:

ClinVar aggregate classification (germline): Uncertain significance (1 of 4 stars; one submission).

Conditions:
Bardet-Biedl syndrome (BBS). Identifiers: Orphanet 110, MedGen C0752166, MONDO:0015229.
McKusick-Kaufman syndrome (MKKS). Also called: HYDROMETROCOLPOS SYNDROME; HYDROMETROCOLPOS, POSTAXIAL POLYDACTYLY, AND CONGENITAL HEART MALFORMATION. Identifiers: Orphanet 2473, MedGen C0948368, MONDO:0009367, OMIM 236700.

Submission:

Labcorp Genetics (formerly Invitae), Labcorp
Classification: Uncertain significance for McKusick-Kaufman syndrome; Bardet-Biedl syndrome. Last evaluated: 2022-05-27. Review status: criteria provided, single submitter. Criteria: Invitae Variant Classification Sherloc (09022015). Collection method: clinical testing. Allele origin: germline.
Comment: In summary, the available evidence is currently insufficient to determine the role of this variant in disease. Therefore, it has been classified as a Variant of Uncertain Significance. This sequence change replaces leucine, which is neutral and non-polar, with proline, which is neutral and non-polar, at codon 64 of the MKKS protein (p.Leu64Pro). This variant is not present in population databases (gnomAD no frequency). This variant has not been reported in the literature in individuals affected with MKKS-related conditions. Algorithms developed to predict the effect of missense changes on protein structure and function are either unavailable or do not agree on the potential impact of this missense change (SIFT: "Deleterious"; PolyPhen-2: "Probably Damaging"; Align-GVGD: "Class C0").

NM_170784.3(MKKS):c.191T>C (p.Leu64Pro)

Gene: MKKS (MKKS centrosomal shuttling protein; minus strand). Cytogenetic location: 20p12.2.
Variant type: single nucleotide variant.
Coding change: c.191T>C on transcript NM_170784.3 (MANE Select); coding-DNA position 191, T replaced by C.
Protein change: p.Leu64Pro; replaces leucine 64 with proline.
Molecular consequence: missense variant.
Genome position (GRCh38, 1-based): chr20:10,413,324, A>G on the plus strand (T>C on the coding strand, the complement: MKKS is on the minus strand). VCF-style: chr20-10413324-A-G. GRCh37 (hg19) VCF-style: chr20-10393972-A-G.
Other names: c.191T>C, p.Leu64Pro (NM_018848.3); short protein forms L64P.
Identifiers: ClinVar variation 2084571 (VCV002084571.4), dbSNP rs2514497683, ClinGen allele CA408233647.